The following is an entry in ClinVar:

NM_000322.5(PRPH2):c.868_869del (p.Leu290fs)

Gene: PRPH2 (peripherin 2; minus strand). Cytogenetic location: 6p21.1.
Variant type: Deletion.
Coding change: c.868_869del on transcript NM_000322.5 (MANE Select); coding-DNA positions 868 to 869, 2 bases deleted (CT; older notation c.868_869delCT).
Protein change: p.Leu290fs; shifts the reading frame from leucine 290.
Molecular consequence: frameshift variant.
Genome position (GRCh38, 1-based): chr6:42,698,467-42,698,468, AG deleted on the plus strand (CT on the coding strand, the reverse complement: PRPH2 is on the minus strand). VCF-style (leftmost placement, unchanged base first): chr6-42698466-CAG-C. GRCh37 (hg19) VCF-style: chr6-42666204-CAG-C.
Other names: short protein forms L290fs.
Identifiers: ClinVar variation 1175276 (VCV001175276.7), dbSNP rs2152003863, ClinGen allele CA2499218262.

ClinVar aggregate classification (germline): Pathogenic. Review status: criteria provided, multiple submitters, no conflicts (2 of 4 stars). 3 submissions from 3 submitters: Pathogenic (2). 1 of the submissions does not count toward it. Last evaluated 2023-05-15.

Conditions:
PRPH2-related disorder. Also called: PRPH2-related condition; PRPH2-related disorders. Identifiers: MedGen CN239395.

Submissions (3):

Labcorp Genetics (formerly Invitae), Labcorp
Classification: Pathogenic for PRPH2-related disorder. Last evaluated: 2023-05-15. Review status: criteria provided, single submitter. Criteria: Invitae Variant Classification Sherloc (09022015). Collection method: clinical testing. Allele origin: germline.
Comment: For these reasons, this variant has been classified as Pathogenic. This variant disrupts a region of the PRPH2 protein in which other variant(s) (p.Val332Glu) have been determined to be pathogenic (PMID: 30718709, 32531846). This suggests that this is a clinically significant region of the protein, and that variants that disrupt it are likely to be disease-causing. ClinVar contains an entry for this variant (Variation ID: 1175276). This premature translational stop signal has been observed in individual(s) with autosomal dominant pattern dystrophy (PMID: 12045052). This variant is not present in population databases (gnomAD no frequency). This sequence change creates a premature translational stop signal (p.Leu290Glyfs*10) in the PRPH2 gene. While this is not anticipated to result in nonsense mediated decay, it is expected to disrupt the last 57 amino acid(s) of the PRPH2 protein.

Blueprint Genetics
Classification: Pathogenic for PRPH2-related disorders. Last evaluated: 2019-08-20. Review status: criteria provided, single submitter. Criteria: ACMG Guidelines, 2015. Collection method: clinical testing. Allele origin: germline. Affected: yes. Observed: 1 variant allele.

Leiden Open Variation Database
Classification: Pathogenic. Last evaluated: 2021-04-06. Review status: no assertion criteria provided. Collection method: curation. Allele origin: germline. Affected: yes. Not counted in ClinVar's aggregate classification.
Comment: Curator: Global Variome, with Curator vacancy. Submitter to LOVD: Manon Peeters.

Literature cited by the submitters: PubMed 30718709 (cited by Labcorp Genetics (formerly Invitae), Labcorp); PubMed 32531846 (cited by Labcorp Genetics (formerly Invitae), Labcorp); PubMed 12045052 (cited by Labcorp Genetics (formerly Invitae), Labcorp and Leiden Open Variation Database).